The following is an entry in ClinVar:

NM_052947.4(ALPK2):c.5662A>G (p.Lys1888Glu)

Gene: ALPK2 (alpha kinase 2; minus strand). Cytogenetic location: 18q21.31.
Variant type: single nucleotide variant.
Coding change: c.5662A>G on transcript NM_052947.4 (MANE Select); coding-DNA position 5662, A replaced by G.
Protein change: p.Lys1888Glu; replaces lysine 1888 with glutamic acid.
Molecular consequence: missense variant.
Genome position (GRCh38, 1-based): chr18:58,523,809, T>C on the plus strand (A>G on the coding strand, the complement: ALPK2 is on the minus strand). VCF-style: chr18-58523809-T-C. GRCh37 (hg19) VCF-style: chr18-56191041-T-C.
Other names: short protein forms K1888E.
Identifiers: ClinVar variation 1748930 (VCV001748930.2), dbSNP rs773317254, ClinGen allele CA8976400.

ClinVar aggregate classification (germline): Uncertain significance (1 of 4 stars; one submission).

Allele frequency attached by ClinVar (database versions not stated): gnomAD exomes below 0.00001; TOPMed below 0.00001; ExAC 0.00001.
gnomAD v4.1: 1 of 1,614,234 alleles (0.000062%); highest among the groups gnomAD compares: Non-Finnish European, 0.000085%; no homozygotes.

Submission:

Ambry Genetics
Classification: Uncertain significance. Last evaluated: 2021-12-31. Review status: criteria provided, single submitter. Criteria: Ambry Variant Classification Scheme 2023. Collection method: clinical testing. Allele origin: germline.
Comment: The p.K1888E variant (also known as c.5662A>G), located in coding exon 7 of the ALPK2 gene, results from an A to G substitution at nucleotide position 5662. The lysine at codon 1888 is replaced by glutamic acid, an amino acid with similar properties. This amino acid position is conserved. In addition, this alteration is predicted to be tolerated by in silico analysis. Since supporting evidence is limited at this time, the clinical significance of this alteration remains unclear.